The following is an entry in ClinVar:

ClinVar aggregate classification (germline): Uncertain significance (0 of 4 stars; one submission).

Conditions:
NCOA1-related disorder. Also called: NCOA1-related condition.

Submission:

PreventionGenetics, part of Exact Sciences
Classification: Uncertain significance for NCOA1-related condition. Last evaluated: 2024-06-22. Review status: no assertion criteria provided. Collection method: clinical testing. Allele origin: germline.
Comment: The NCOA1 c.3628A>G variant is predicted to result in the amino acid substitution p.Thr1210Ala. To our knowledge, this variant has not been reported in the literature or in a large population database, indicating this variant is rare. At this time, the clinical significance of this variant is uncertain due to the absence of conclusive functional and genetic evidence.

NM_003743.5(NCOA1):c.3628A>G (p.Thr1210Ala)

Gene: NCOA1 (nuclear receptor coactivator 1; plus strand). Cytogenetic location: 2p23.3.
Variant type: single nucleotide variant.
Coding change: c.3628A>G on transcript NM_003743.5 (MANE Select); coding-DNA position 3628, A replaced by G.
Protein change: p.Thr1210Ala; replaces threonine 1210 with alanine.
Molecular consequence: missense variant.
Genome position (GRCh38, 1-based): chr2:24,742,108, A>G. VCF-style: chr2-24742108-A-G. GRCh37 (hg19) VCF-style: chr2-24964977-A-G.
Other names: c.3628A>G, p.Thr1210Ala (NM_001362950.1, NM_001362952.1, NM_001362954.1 and 3 more transcripts); short protein forms T1210A.
Identifiers: ClinVar variation 3347350 (VCV003347350.1).